The following is an entry in ClinVar:

NM_016284.5(CNOT1):c.638A>C (p.Asp213Ala)

Gene: CNOT1 (CCR4-NOT transcription complex subunit 1; minus strand). Cytogenetic location: 16q21.
Variant type: single nucleotide variant.
Coding change: c.638A>C on transcript NM_016284.5 (MANE Select); coding-DNA position 638, A replaced by C.
Protein change: p.Asp213Ala; replaces aspartic acid 213 with alanine.
Molecular consequence: missense variant. On other transcripts: non-coding transcript variant (1).
Genome position (GRCh38, 1-based): chr16:58,585,506, T>G on the plus strand (A>C on the coding strand, the complement: CNOT1 is on the minus strand). VCF-style: chr16-58585506-T-G. GRCh37 (hg19) VCF-style: chr16-58619410-T-G.
Other names: c.638A>C, p.Asp213Ala (NM_001265612.2, NM_206999.3); short protein forms D213A.
Identifiers: ClinVar variation 4885926 (VCV004885926.2).

ClinVar aggregate classification (germline): Uncertain significance (1 of 4 stars; one submission).

Submission:

Dasa
Classification: Uncertain significance. Last evaluated: 2025-01-28. Review status: criteria provided, single submitter. Criteria: DASA Assertion Criteria. Collection method: clinical testing. Allele origin: germline.
Comment: NM_016284.5(CNOT1):c.638A>C (p.Asp213Ala) is a missense variant that results in the substitution of aspartic acid with alanine. This variant is absent from population databases. Computational prediction algorithms are consistent with a benign effect. The currently available literature and clinical evidence are not sufficient to establish a definitive association between this variant and the reported condition. Therefore, this variant is classified as a variant of uncertain significance.